The following is an entry in ClinVar:

NM_148919.4(PSMB8):c.405C>A (p.Cys135Ter)

Gene: PSMB8 (proteasome 20S subunit beta 8; minus strand). Cytogenetic location: 6p21.32.
Variant type: single nucleotide variant.
Coding change: c.405C>A on transcript NM_148919.4 (MANE Select); coding-DNA position 405, C replaced by A.
Protein change: p.Cys135Ter; replaces cysteine 135 with a stop codon.
Molecular consequence: nonsense.
Genome position (GRCh38, 1-based): chr6:32,842,674, G>T on the plus strand (C>A on the coding strand, the complement: PSMB8 is on the minus strand). VCF-style: chr6-32842674-G-T. GRCh37 (hg19) VCF-style: chr6-32810451-G-T.
Other names: c.393C>A, p.Cys131Ter (NM_004159.5); short protein forms C135*, C131*.
Identifiers: ClinVar variation 29862 (VCV000029862.10), dbSNP rs146254972, ClinGen allele CA3746400.
Genomic context (GRCh38, chr6:32,842,674, plus strand): 5'-TGAGAGATCCAGGGATTAACCACTAGGCTAAGAAAGGAAGATGAGAGGCCTCGCTTACCT[G>T]CATTCCTTGGCCAGCAGGCGCTCCCAGTACTGACAGTCTGCTGCACAGCCAGACATGGTG-3'

ClinVar aggregate classification (germline): Pathogenic/Likely pathogenic. Review status: criteria provided, multiple submitters, no conflicts (2 of 4 stars). 3 submissions from 3 submitters: Pathogenic (1); Likely pathogenic (1). 1 of the submissions does not count toward it. Last evaluated 2025-12-17.

Conditions:
Proteosome-associated autoinflammatory syndrome. Also called: Proteasome-associated autoinflammatory syndrome. Identifiers: Orphanet 324977, MedGen C1850568, MONDO:0009726.
Proteasome-associated autoinflammatory syndrome 1 (PRAAS1). Also called: AUTOINFLAMMATION, LIPODYSTROPHY, AND DERMATOSIS SYNDROME; NAKAJO-NISHIMURA SYNDROME; CHRONIC ATYPICAL NEUTROPHILIC DERMATOSIS WITH LIPODYSTROPHY AND ELEVATED TEMPERATURE SYNDROME; Nakajo syndrome; JOINT CONTRACTURES, MUSCULAR ATROPHY, MICROCYTIC ANEMIA, AND PANNICULITIS-INDUCED LIPODYSTROPHY; JMP SYNDROME. Identifiers: Orphanet 2615, Orphanet 324977, Orphanet 324999, Orphanet 325004, MedGen C4746851, MONDO:0054698, OMIM 256040.

Allele frequency attached by ClinVar (database versions not stated): TOPMed 0.00001.

Submissions (3):

Labcorp Genetics (formerly Invitae), Labcorp
Classification: Pathogenic for Proteosome-associated autoinflammatory syndrome. Last evaluated: 2025-12-17. Review status: criteria provided, single submitter. Criteria: Invitae Variant Classification Sherloc (09022015). Collection method: clinical testing. Allele origin: germline.
Comment: This sequence change creates a premature translational stop signal (p.Cys135*) in the PSMB8 gene. It is expected to result in an absent or disrupted protein product. Loss-of-function variants in PSMB8 are known to be pathogenic (PMID: 26524591). This variant is present in population databases (rs146254972, gnomAD 0.1%). This premature translational stop signal has been observed in individual(s) with CANDLE syndrome (PMID: 21953331). ClinVar contains an entry for this variant (Variation ID: 29862). Studies have shown that this premature translational stop signal alters PSMB8 gene expression (PMID: 26524591). For these reasons, this variant has been classified as Pathogenic.

Department of Pathology and Laboratory Medicine, Sinai Health System
Classification: Likely pathogenic for Proteasome-associated autoinflammatory syndrome 1. Last evaluated: 2023-02-01. Review status: criteria provided, single submitter. Criteria: ACMG Guidelines, 2015. Collection method: research. Allele origin: germline.

OMIM
Classification: Pathogenic for PROTEASOME-ASSOCIATED AUTOINFLAMMATORY SYNDROME 1. Last evaluated: 2012-03-01. Review status: no assertion criteria provided. Collection method: literature only. Allele origin: germline. Not counted in ClinVar's aggregate classification.

Literature cited by the submitters: PubMed 26524591 (cited by Labcorp Genetics (formerly Invitae), Labcorp and OMIM); PubMed 21953331 (cited by Labcorp Genetics (formerly Invitae), Labcorp and OMIM).